The following is an entry in ClinVar:

NM_144666.3(DNHD1):c.9649C>T (p.Arg3217Ter)

Gene: DNHD1 (dynein heavy chain domain 1; plus strand). Cytogenetic location: 11p15.4.
Variant type: single nucleotide variant.
Coding change: c.9649C>T on transcript NM_144666.3 (MANE Select); coding-DNA position 9649, C replaced by T.
Protein change: p.Arg3217Ter; replaces arginine 3217 with a stop codon.
Molecular consequence: nonsense.
Genome position (GRCh38, 1-based): chr11:6,563,111, C>T. VCF-style: chr11-6563111-C-T. GRCh37 (hg19) VCF-style: chr11-6584341-C-T.
Other names: short protein forms R3217*.
Identifiers: ClinVar variation 1693246 (VCV001693246.3), dbSNP rs764070280, ClinGen allele CA5856412.
Genomic context (GRCh38, chr11:6,563,111, plus strand): 5'-CGGCATCAAGAGAACCTCATTGAGAACCTGGCCAGGCAACGGGATGCCCTGCAAGCTCAG[C>T]GAGAGGCTTTCCTGGAGCAGGTGGGCTCTTCCTGCCGCCTGCCCTGCACTGCTCCTCTCT-3'

ClinVar aggregate classification (germline): Likely pathogenic. Review status: criteria provided, multiple submitters, no conflicts (2 of 4 stars). 2 submissions from 2 submitters: Likely pathogenic (2). Last evaluated 2022-06-20.

Conditions:
Spermatogenic failure 65 (SPGF65). Identifiers: MedGen C5562067, MONDO:0030531, OMIM 619712.

Allele frequency attached by ClinVar (database versions not stated): gnomAD 0.00003 and 0.00004; gnomAD exomes 0.00004 and 0.00005; ExAC 0.00005; TOPMed 0.00006.

Submissions (2):

SIB Swiss Institute of Bioinformatics
Classification: Likely pathogenic for Spermatogenic failure 65. Last evaluated: 2022-06-20. Review status: criteria provided, single submitter. Criteria: ACMG Guidelines, 2015. Collection method: curation. Allele origin: unknown.
Comment: This variant is interpreted as likely pathogenic for Spermatogenic failure 65, autosomal recessive. The following ACMG Tag(s) were applied: Absent from controls (or at extremely low frequency if recessive) in Exome Sequencing Project, 1000 Genomes Project, or Exome Aggregation Consortium (PM2); Predicted nullvariant in a gene where LOF is a known mechanism of disease (PVS1 downgraded to strong).

Juno Genomics, Hangzhou Juno Genomics, Inc
Classification: Likely pathogenic for Spermatogenic failure 65. Review status: criteria provided, single submitter. Criteria: ACMG Guidelines, 2015. Collection method: clinical testing. Allele origin: germline.
Comment: Absent from controls (or at extremely low frequency if recessive) in Genome Aggregation Database.;Null variant in a gene where loss of function (LOF) is a known mechanism of disease.

Literature cited by the submitters: PubMed 34932939 (cited by SIB Swiss Institute of Bioinformatics).